The following is an entry in ClinVar:

ClinVar aggregate classification (germline): Uncertain significance (1 of 4 stars; one submission).

Conditions:
Severe combined immunodeficiency due to DNA-PKcs deficiency. Also called: IMMUNODEFICIENCY 26 WITH NEUROLOGIC ABNORMALITIES; Immunodeficiency 26 with or without neurologic abnormalities. Identifiers: Orphanet 317425, MedGen C4014833, MONDO:0014423, OMIM 615966.

Allele frequency attached by ClinVar (database versions not stated): ExAC 0.00001; gnomAD 0.00001; gnomAD exomes 0.00001; TOPMed 0.00003.
gnomAD v4.1: 28 of 1,599,536 alleles (0.0018%); highest among the groups gnomAD compares: Middle Eastern, 0.017%; no homozygotes.

Submission:

Baylor Genetics
Classification: Uncertain significance for Severe combined immunodeficiency due to DNA-PKcs deficiency. Last evaluated: 2019-01-14. Review status: criteria provided, single submitter. Criteria: ACMG Guidelines, 2015. Collection method: clinical testing. Allele origin: unknown. Affected: yes.
Comment: This variant was determined to be of uncertain significance according to ACMG Guidelines, 2015 [PMID:25741868].

NM_006904.7(PRKDC):c.3364+4C>T

Gene: PRKDC (protein kinase, DNA-activated, catalytic subunit; minus strand). Cytogenetic location: 8q11.21.
Variant type: single nucleotide variant.
Coding change: c.3364+4C>T on transcript NM_006904.7 (MANE Select); 4 bases into the intron after coding-DNA position 3364, C replaced by T.
Molecular consequence: intron variant.
Genome position (GRCh38, 1-based): chr8:47,900,369, G>A on the plus strand (C>T on the coding strand, the complement: PRKDC is on the minus strand). VCF-style: chr8-47900369-G-A. GRCh37 (hg19) VCF-style: chr8-48812929-G-A.
Other names: c.3364+4C>T (NM_001081640.2).
Identifiers: ClinVar variation 1031106 (VCV001031106.1), dbSNP rs779701820, ClinGen allele CA4741216.